The following is an entry in ClinVar:

NM_001846.4(COL4A2):c.869C>G (p.Ser290Cys)

Gene: COL4A2 (collagen type IV alpha 2 chain; plus strand). Cytogenetic location: 13q34.
Variant type: single nucleotide variant.
Coding change: c.869C>G on transcript NM_001846.4 (MANE Select); coding-DNA position 869, C replaced by G.
Protein change: p.Ser290Cys; replaces serine 290 with cysteine.
Molecular consequence: missense variant.
Genome position (GRCh38, 1-based): chr13:110,438,625, C>G. VCF-style: chr13-110438625-C-G. GRCh37 (hg19) VCF-style: chr13-111090972-C-G.
Other names: short protein forms S290C.
Identifiers: ClinVar variation 5000775 (VCV005000775.1).

ClinVar aggregate classification (germline): Uncertain significance (1 of 4 stars; one submission).

Conditions:
COL4A2-related disorder. Also called: COL4A2-related disorders; COL4A2-related condition.

Submission:

PreventionGenetics, part of Exact Sciences
Classification: Uncertain significance for COL4A2-related condition. Last evaluated: 2026-07-23. Review status: criteria provided, single submitter. Criteria: ACMG Guidelines, 2015. Collection method: clinical testing. Allele origin: germline.
Comment: The COL4A2 c.869C>G variant is predicted to result in the amino acid substitution p.Ser290Cys. To our knowledge, this variant has not been reported in the literature or in a large population database (gnomAD), indicating this variant is rare. At this time, the clinical significance of this variant is uncertain due to the absence of conclusive functional and genetic evidence.